The following is an entry in ClinVar:

NM_017617.5(NOTCH1):c.2558T>A (p.Phe853Tyr)

Gene: NOTCH1 (notch receptor 1; minus strand). Cytogenetic location: 9q34.3.
Variant type: single nucleotide variant.
Coding change: c.2558T>A on transcript NM_017617.5 (MANE Select); coding-DNA position 2558, T replaced by A.
Protein change: p.Phe853Tyr; replaces phenylalanine 853 with tyrosine.
Molecular consequence: missense variant.
Genome position (GRCh38, 1-based): chr9:136,511,181, A>T on the plus strand (T>A on the coding strand, the complement: NOTCH1 is on the minus strand). VCF-style: chr9-136511181-A-T. GRCh37 (hg19) VCF-style: chr9-139405633-A-T.
Other names: short protein forms F853Y.
Identifiers: ClinVar variation 3368886 (VCV003368886.2).

ClinVar aggregate classification (germline): Uncertain significance. Review status: criteria provided, multiple submitters, no conflicts (2 of 4 stars). 2 submissions from 2 submitters: Uncertain significance (2). Last evaluated 2025-03-16.

Conditions:
Adams-Oliver syndrome 5 (AOS5). Identifiers: Orphanet 974, MedGen C4014970, MONDO:0014459, OMIM 616028.

Submissions (2):

Labcorp Genetics (formerly Invitae), Labcorp
Classification: Uncertain significance for Adams-Oliver syndrome 5. Last evaluated: 2025-03-16. Review status: criteria provided, single submitter. Criteria: Invitae Variant Classification Sherloc (09022015). Collection method: clinical testing. Allele origin: germline.
Comment: This sequence change replaces phenylalanine, which is neutral and non-polar, with tyrosine, which is neutral and polar, at codon 853 of the NOTCH1 protein (p.Phe853Tyr). This variant is not present in population databases (gnomAD no frequency). This variant has not been reported in the literature in individuals affected with NOTCH1-related conditions. ClinVar contains an entry for this variant (Variation ID: 3368886). Invitae Evidence Modeling of protein sequence and biophysical properties (such as structural, functional, and spatial information, amino acid conservation, physicochemical variation, residue mobility, and thermodynamic stability) indicates that this missense variant is not expected to disrupt NOTCH1 protein function with a negative predictive value of 95%. In summary, the available evidence is currently insufficient to determine the role of this variant in disease. Therefore, it has been classified as a Variant of Uncertain Significance.

GeneDx
Classification: Uncertain significance. Last evaluated: 2024-02-05. Review status: criteria provided, single submitter. Criteria: GeneDx Variant Classification Process June 2021. Collection method: clinical testing. Allele origin: germline. Affected: yes.
Comment: Has not been previously published as pathogenic or benign to our knowledge; Not observed at significant frequency in large population cohorts (gnomAD); In silico analysis supports that this missense variant does not alter protein structure/function